The following is an entry in ClinVar:

ClinVar aggregate classification (germline): Likely pathogenic. Review status: criteria provided, multiple submitters, no conflicts (2 of 4 stars). 2 submissions from 2 submitters: Likely pathogenic (2). Last evaluated 2024-06-19.

Conditions:
Familial cancer of breast. Also called: hereditary breast carcinoma; Hereditary breast cancer; BREAST CANCER, FAMILIAL. Identifiers: Orphanet 227535, MedGen C0346153, MONDO:0016419, OMIM 114480. Disease mechanism: loss of function.
Fanconi anemia complementation group J. Also called: BRIP1-Related Fanconi Anemia. Identifiers: Orphanet 84, MedGen C1836860, MONDO:0012187, OMIM 609054.

Submissions (2):

Labcorp Genetics (formerly Invitae), Labcorp
Classification: Likely pathogenic for Familial cancer of breast; Fanconi anemia complementation group J. Last evaluated: 2024-06-19. Review status: criteria provided, single submitter. Criteria: Invitae Variant Classification Sherloc (09022015). Collection method: clinical testing. Allele origin: germline.
Comment: This sequence change affects an acceptor splice site in intron 8 of the BRIP1 gene. It is expected to disrupt RNA splicing. Variants that disrupt the donor or acceptor splice site typically lead to a loss of protein function (PMID: 16199547), and loss-of-function variants in BRIP1 are known to be pathogenic (PMID: 16116423, 17033622, 21964575). This variant is not present in population databases (gnomAD no frequency). This variant has not been reported in the literature in individuals affected with BRIP1-related conditions. ClinVar contains an entry for this variant (Variation ID: 1518407). Studies have shown that disruption of this splice site is associated with inconclusive levels of altered splicing (Invitae). In summary, the currently available evidence indicates that the variant is pathogenic, but additional data are needed to prove that conclusively. Therefore, this variant has been classified as Likely Pathogenic.

Myriad Genetics, Inc.
Classification: Likely pathogenic for Familial cancer of breast. Last evaluated: 2023-06-01. Review status: criteria provided, single submitter. Criteria: Myriad Autosomal Dominant, Autosomal Recessive and X-Linked Classification Criteria (2023). Collection method: clinical testing. Allele origin: unknown.
Comment: This variant is considered likely pathogenic. This variant occurs within a consensus splice junction and is predicted to result in abnormal mRNA splicing of either an out-of-frame exon or an in-frame exon necessary for protein stability and/or normal function.

Literature cited by the submitters: PubMed 16199547 (cited by Labcorp Genetics (formerly Invitae), Labcorp); PubMed 16116423 (cited by Labcorp Genetics (formerly Invitae), Labcorp); PubMed 17033622 (cited by Labcorp Genetics (formerly Invitae), Labcorp); PubMed 21964575 (cited by Labcorp Genetics (formerly Invitae), Labcorp).

NM_032043.3(BRIP1):c.1141-2A>T

Gene: BRIP1 (BRCA1 interacting DNA helicase 1; minus strand). Cytogenetic location: 17q23.2.
Variant type: single nucleotide variant.
Coding change: c.1141-2A>T on transcript NM_032043.3 (MANE Select); the canonical splice acceptor site of the intron before coding-DNA position 1141, A replaced by T.
Molecular consequence: splice acceptor variant.
Genome position (GRCh38, 1-based): chr17:61,799,301, T>A on the plus strand (A>T on the coding strand, the complement: BRIP1 is on the minus strand). VCF-style: chr17-61799301-T-A. GRCh37 (hg19) VCF-style: chr17-59876662-T-A.
Identifiers: ClinVar variation 1518407 (VCV001518407.9), dbSNP rs769583916, ClinGen allele CA400483841.
Genomic context (GRCh38, chr17:61,799,301, plus strand): 5'-TCCTCGATGTTATGAGCTTCATCTAAAATGACAACCTGTTCTTTCAGATTTAAATCCATC[T>A]ATAAGATAAAAGAATTTTCTTGTAAAACATTTGGCAAAATAGATTTAACAACAGCAGGCA-3'